The following is an entry in ClinVar:

ClinVar aggregate classification (germline): Likely benign (1 of 4 stars; one submission).

gnomAD v4.1: 3 of 1,614,166 alleles (0.00019%); highest among the groups gnomAD compares: Non-Finnish European, 0.00025%; no homozygotes.

Submission:

CeGaT Center for Human Genetics Tuebingen
Classification: Likely benign. Last evaluated: 2025-09-01. Review status: criteria provided, single submitter. Criteria: CeGaT Center For Human Genetics Tuebingen Variant Classification Criteria Version 2. Collection method: clinical testing. Allele origin: germline. Affected: yes. Observed: 1 variant allele.
Comment: CSDE1: BP4, BP7

NM_001007553.3(CSDE1):c.1710A>G (p.Lys570=)

Gene: CSDE1 (cold shock domain containing E1; minus strand). Cytogenetic location: 1p13.2.
Variant type: single nucleotide variant.
Coding change: c.1710A>G on transcript NM_001007553.3 (MANE Select); coding-DNA position 1710, A replaced by G.
Protein change: p.Lys570=; no amino-acid change (lysine 570 retained).
Molecular consequence: synonymous variant.
Genome position (GRCh38, 1-based): chr1:114,725,264, T>C on the plus strand (A>G on the coding strand, the complement: CSDE1 is on the minus strand). VCF-style: chr1-114725264-T-C. GRCh37 (hg19) VCF-style: chr1-115267885-T-C.
Other names: c.1755A>G, p.Lys585= (NM_001130523.3); c.1848A>G, p.Lys616= (NM_001242891.2); c.1710A>G, p.Lys570= (NM_001242892.2); c.1617A>G, p.Lys539= (NM_001242893.2, NM_007158.6).
Identifiers: ClinVar variation 4281093 (VCV004281093.7).